The following is an entry in ClinVar:

ClinVar aggregate classification (germline): Likely benign (0 of 4 stars; one submission).

Conditions:
TENM3-related disorder. Also called: TENM3-related condition.

Allele frequency attached by ClinVar (database versions not stated): TOPMed below 0.00001; ExAC 0.00001; gnomAD 0.00001.
gnomAD v4.1: 11 of 1,491,588 alleles (0.00074%); highest among the groups gnomAD compares: South Asian, 0.0053%; no homozygotes.

Submission:

PreventionGenetics, part of Exact Sciences
Classification: Likely benign for TENM3-related condition. Last evaluated: 2019-12-16. Review status: no assertion criteria provided. Collection method: clinical testing. Allele origin: germline.
Comment: This variant is classified as likely benign based on ACMG/AMP sequence variant interpretation guidelines (Richards et al. 2015 PMID: 25741868, with internal and published modifications).

NM_001080477.4(TENM3):c.3862+5C>T

Gene: TENM3 (teneurin transmembrane protein 3; plus strand). Cytogenetic location: 4q35.1.
Variant type: single nucleotide variant.
Coding change: c.3862+5C>T on transcript NM_001080477.4 (MANE Select); 5 bases into the intron after coding-DNA position 3862, C replaced by T.
Molecular consequence: intron variant.
Genome position (GRCh38, 1-based): chr4:182,752,037, C>T. VCF-style: chr4-182752037-C-T. GRCh37 (hg19) VCF-style: chr4-183673190-C-T.
Other names: c.3883+5C>T (NM_001415969.1, NM_001415970.1); c.3862+5C>T (NM_001415971.1, NM_001415973.1); c.3859+5C>T (NM_001415974.1, NM_001415975.1); c.3583+5C>T (NM_001415976.1, NM_001415977.1); c.3880+5C>T (NM_001415968.1); c.3604+5C>T (NM_001415967.1); c.3580+5C>T (NM_001415966.1); c.3094+5C>T (NM_001415960.1); and 4 more.
Identifiers: ClinVar variation 3048652 (VCV003048652.2), dbSNP rs772571109, ClinGen allele CA3148303.